The following is an entry in ClinVar:

NM_004937.3(CTNS):c.*1117G>A

Gene: CTNS (cystinosin, lysosomal cystine transporter; plus strand). Cytogenetic location: 17p13.2.
Variant type: single nucleotide variant.
Coding change: c.*1117G>A on transcript NM_004937.3 (MANE Select); 1117 bases downstream of the stop codon, G replaced by A.
Molecular consequence: 3 prime UTR variant.
Genome position (GRCh38, 1-based): chr17:3,661,486, G>A. VCF-style: chr17-3661486-G-A. GRCh37 (hg19) VCF-style: chr17-3564780-G-A.
Other names: c.*752G>A (NM_001031681.3, NM_001374492.1); c.*1117G>A (NM_001374493.1, NM_001374494.1, NM_001374495.1 and 1 more transcripts).
Identifiers: ClinVar variation 322879 (VCV000322879.6), dbSNP rs78833685, ClinGen allele CA10649124.

ClinVar aggregate classification (germline): Benign. Review status: criteria provided, multiple submitters, no conflicts (2 of 4 stars). 3 submissions from 2 submitters: Benign (3). Last evaluated 2018-01-13.

Conditions:
Nephropathic cystinosis (CTNS). Also called: CYSTINOSIN, DEFECT OF; LYSOSOMAL CYSTINE TRANSPORT PROTEIN, DEFECT OF; Abderhalden Lignac Kaufmann disease; Abderhalden-Kaufmann-Lignac syndrome. Identifiers: Orphanet 213, Orphanet 411629, MedGen C2931187, MONDO:0100151, OMIM 219800.
Ocular cystinosis. Also called: Non-Nephropathic (Ocular) Cystinosis; Non-Nephropathic Cystinosis. Identifiers: Orphanet 213, Orphanet 411641, MedGen C2931013, MONDO:0009064, OMIM 219750.

Allele frequency attached by ClinVar (database versions not stated): gnomAD 0.00271 and 0.00388; gnomAD exomes 0.00289; TOPMed 0.00380; 1000 Genomes Project 30x 0.01421; 1000 Genomes Project 0.01657.
gnomAD v4.1: 581 of 152,500 alleles (0.38%); highest among the groups gnomAD compares: East Asian, 5.4%; 16 homozygotes.

Submissions (3):

Illumina Laboratory Services, Illumina
Classification: Benign for Ocular cystinosis. Last evaluated: 2018-01-13. Review status: criteria provided, single submitter. Criteria: ICSL Variant Classification Criteria 13 December 2019. Collection method: clinical testing. Allele origin: germline.
Comment: This variant was observed in the ICSL laboratory as part of a predisposition screen in an ostensibly healthy population. It had not been previously curated by ICSL or reported in the Human Gene Mutation Database (HGMD: prior to June 1st, 2018), and was therefore a candidate for classification through an automated scoring system. Utilizing variant allele frequency, disease prevalence and penetrance estimates, and inheritance mode, an automated score was calculated to assess if this variant is too frequent to cause the disease. Based on the score and internal cut-off values, a variant classified as benign is not then subjected to further curation. The score for this variant resulted in a classification of benign for this disease.

Illumina Laboratory Services, Illumina
Classification: Benign for Nephropathic cystinosis. Last evaluated: 2018-01-13. Review status: criteria provided, single submitter. Criteria: ICSL Variant Classification Criteria 13 December 2019. Collection method: clinical testing. Allele origin: germline.
Comment: the same text as in the submission from Illumina Laboratory Services, Illumina above.

Breakthrough Genomics
Classification: Benign. Review status: criteria provided, single submitter. Criteria: ACMG Guidelines, 2015. Collection method: not provided. Allele origin: germline. Inheritance: Autosomal recessive inheritance. Affected: yes.